The following is an entry in ClinVar:

NM_000037.4(ANK1):c.2389-8C>A

Gene: ANK1 (ankyrin 1; minus strand). Cytogenetic location: 8p11.21.
Variant type: single nucleotide variant.
Coding change: c.2389-8C>A on transcript NM_000037.4 (MANE Select); 8 bases into the intron before coding-DNA position 2389, C replaced by A.
Molecular consequence: intron variant.
Genome position (GRCh38, 1-based): chr8:41,701,630, G>T on the plus strand (C>A on the coding strand, the complement: ANK1 is on the minus strand). VCF-style: chr8-41701630-G-T. GRCh37 (hg19) VCF-style: chr8-41559148-G-T.
Other names: c.2488-8C>A (NM_001142446.2); c.2389-8C>A (NM_020477.3, NM_020475.3, NM_020476.3).
Identifiers: ClinVar variation 1705676 (VCV001705676.2), dbSNP rs2486818181, ClinGen allele CA2580078269.
Genomic context (GRCh38, chr8:41,701,630, plus strand): 5'-AGGATCTCATCAACTGTCTCAGGGAAACTCATTCGATGCTTATCACTGACTAACTAAAAC[G>T]AGAAAAAGCAGATAATTCAACCCAAACTAGAGCCGCACACATTTTTTACCAGCCCAGCGG-3'

ClinVar aggregate classification (germline): Uncertain significance. Review status: criteria provided, multiple submitters, no conflicts (2 of 4 stars). 2 submissions from 2 submitters: Uncertain significance (2). Last evaluated 2024-08-30.

Conditions:
Hereditary spherocytosis type 1. Also called: Spherocytosis type 1; ANK1-Related Spherocytosis. Identifiers: Orphanet 822, MedGen C2674218, MONDO:0008447, OMIM 182900.

Allele frequency attached by ClinVar (database versions not stated): gnomAD exomes below 0.00001.
gnomAD v4.1: 1 of 1,613,688 alleles (0.000062%); highest among the groups gnomAD compares: South Asian, 0.0011%; no homozygotes.

Submissions (2):

Revvity Omics, Revvity
Classification: Uncertain significance for Hereditary spherocytosis type 1. Last evaluated: 2024-08-30. Review status: criteria provided, single submitter. Criteria: ACMG Guidelines, 2015. Collection method: clinical testing. Allele origin: germline.

3billion
Classification: Uncertain significance for Hereditary spherocytosis type 1. Last evaluated: 2022-09-01. Review status: criteria provided, single submitter. Criteria: ACMG Guidelines, 2015. Collection method: clinical testing. Allele origin: germline. Affected: yes. Observed: 1 heterozygote.
Comment: The variant is not observed in the gnomAD v2.1.1 dataset. In silico tools predict the variant to alter splicing and produce an abnormal transcript (SpliceAI: 0.75). Therefore, this variant is classified as uncertain significance according to the recommendation of ACMG/AMP guideline.